The following is an entry in ClinVar:

NM_001346249.2(RALGAPA1):c.4580A>T (p.Asp1527Val)

Gene: RALGAPA1 (Ral GTPase activating protein catalytic subunit alpha 1; minus strand). Cytogenetic location: 14q13.2.
Variant type: single nucleotide variant.
Coding change: c.4580A>T on transcript NM_001346249.2 (MANE Select); coding-DNA position 4580, A replaced by T.
Protein change: p.Asp1527Val; replaces aspartic acid 1527 with valine.
Molecular consequence: missense variant.
Genome position (GRCh38, 1-based): chr14:35,677,994, T>A on the plus strand (A>T on the coding strand, the complement: RALGAPA1 is on the minus strand). VCF-style: chr14-35677994-T-A. GRCh37 (hg19) VCF-style: chr14-36147200-T-A.
Other names: p.Asp1021Val; c.3101A>T, p.Asp1034Val (NM_001283043.3); c.3203A>T, p.Asp1068Val (NM_001283044.3, NM_001346245.2, NM_001346247.2); c.4439A>T, p.Asp1480Val (NM_001330075.3, NM_001346248.2); c.3062A>T, p.Asp1021Val (NM_001346243.2, NM_001346246.2, NM_014990.3 and 1 more transcripts); short protein forms D1021V, D1034V, D1068V, D1480V, D1527V.
Identifiers: ClinVar variation 3380186 (VCV003380186.1).

ClinVar aggregate classification (germline): Uncertain significance (1 of 4 stars; one submission).

gnomAD v4.1: 5 of 1,613,744 alleles (0.00031%); highest among the groups gnomAD compares: Non-Finnish European, 0.00042%; no homozygotes.

Submission:

Mayo Clinic Laboratories, Mayo Clinic
Classification: Uncertain significance. Last evaluated: 2024-05-23. Review status: criteria provided, single submitter. Criteria: ACMG Guidelines, 2015. Collection method: clinical testing. Allele origin: germline. Observed: 1 variant allele.
Comment: PP2, PM2